The following is an entry in ClinVar:

ClinVar aggregate classification (germline): Uncertain significance (1 of 4 stars; one submission).

Submission:

Labcorp Genetics (formerly Invitae), Labcorp
Classification: Uncertain significance. Last evaluated: 2022-06-17. Review status: criteria provided, single submitter. Criteria: Invitae Variant Classification Sherloc (09022015). Collection method: clinical testing. Allele origin: germline.
Comment: This sequence change replaces asparagine, which is neutral and polar, with aspartic acid, which is acidic and polar, at codon 1597 of the SPTA1 protein (p.Asn1597Asp). This variant is not present in population databases (gnomAD no frequency). This variant has not been reported in the literature in individuals affected with SPTA1-related conditions. Algorithms developed to predict the effect of missense changes on protein structure and function output the following: SIFT: "Tolerated"; PolyPhen-2: "Benign"; Align-GVGD: "Class C0". The aspartic acid amino acid residue is found in multiple mammalian species, which suggests that this missense change does not adversely affect protein function. In summary, the available evidence is currently insufficient to determine the role of this variant in disease. Therefore, it has been classified as a Variant of Uncertain Significance.

NM_003126.4(SPTA1):c.4789A>G (p.Asn1597Asp)

Gene: SPTA1 (spectrin alpha, erythrocytic 1; minus strand). Cytogenetic location: 1q23.1.
Variant type: single nucleotide variant.
Coding change: c.4789A>G on transcript NM_003126.4 (MANE Select); coding-DNA position 4789, A replaced by G.
Protein change: p.Asn1597Asp; replaces asparagine 1597 with aspartic acid.
Molecular consequence: missense variant.
Genome position (GRCh38, 1-based): chr1:158,639,956, T>C on the plus strand (A>G on the coding strand, the complement: SPTA1 is on the minus strand). VCF-style: chr1-158639956-T-C. GRCh37 (hg19) VCF-style: chr1-158609746-T-C.
Other names: short protein forms N1597D.
Identifiers: ClinVar variation 1954040 (VCV001954040.2), dbSNP rs2526420761, ClinGen allele CA343029654.